The following is an entry in ClinVar:

NM_144988.4(ALG14):c.38C>T (p.Ala13Val)

Genes: ALG14 (ALG14 UDP-N-acetylglucosaminyltransferase subunit; minus strand), LOC129930989 (ATAC-STARR-seq lymphoblastoid active region 1353; plus strand). Cytogenetic location: 1p21.3.
Variant type: single nucleotide variant.
Coding change: c.38C>T on transcript NM_144988.4 (MANE Select); coding-DNA position 38, C replaced by T.
Protein change: p.Ala13Val; replaces alanine 13 with valine.
Molecular consequence: missense variant. On other transcripts: non-coding transcript variant (1).
Genome position (GRCh38, 1-based): chr1:95,072,861, G>A on the plus strand (C>T on the coding strand, the complement: ALG14 is on the minus strand). VCF-style: chr1-95072861-G-A. GRCh37 (hg19) VCF-style: chr1-95538417-G-A.
Other names: c.38C>T, p.Ala13Val (NM_001305242.2); short protein forms A13V.
Identifiers: ClinVar variation 939874 (VCV000939874.10), dbSNP rs983938710, ClinGen allele CA27229828.

ClinVar aggregate classification (germline): Uncertain significance (1 of 4 stars; one submission).

Conditions:
Congenital myasthenic syndrome 15. Also called: Myasthenic syndrome, congenital, 15, without tubular aggregates. Identifiers: Orphanet 353327, Orphanet 590, MedGen C4015596, MONDO:0014542, OMIM 616227.

Allele frequency attached by ClinVar (database versions not stated): gnomAD 0.00001; gnomAD exomes 0.00001; TOPMed 0.00001.
gnomAD v4.1: 5 of 1,614,058 alleles (0.00031%); highest among the groups gnomAD compares: Admixed American, 0.0017%; no homozygotes.

Submission:

Labcorp Genetics (formerly Invitae), Labcorp
Classification: Uncertain significance for Congenital myasthenic syndrome 15. Last evaluated: 2025-10-22. Review status: criteria provided, single submitter. Criteria: Invitae Variant Classification Sherloc (09022015). Collection method: clinical testing. Allele origin: germline.
Comment: This sequence change replaces alanine, which is neutral and non-polar, with valine, which is neutral and non-polar, at codon 13 of the ALG14 protein (p.Ala13Val). This variant is present in population databases (no rsID available, gnomAD 0.003%). This variant has not been reported in the literature in individuals affected with ALG14-related conditions. ClinVar contains an entry for this variant (Variation ID: 939874). An algorithm developed to predict the effect of missense changes on protein structure and function (PolyPhen-2) suggests that this variant is likely to be tolerated. In summary, the available evidence is currently insufficient to determine the role of this variant in disease. Therefore, it has been classified as a Variant of Uncertain Significance.